The following is an entry in ClinVar:

NM_000287.4(PEX6):c.1910C>G (p.Ala637Gly)

Gene: PEX6 (peroxisomal biogenesis factor 6; minus strand). Cytogenetic location: 6p21.1.
Variant type: single nucleotide variant.
Coding change: c.1910C>G on transcript NM_000287.4 (MANE Select); coding-DNA position 1910, C replaced by G.
Protein change: p.Ala637Gly; replaces alanine 637 with glycine.
Molecular consequence: missense variant. On other transcripts: non-coding transcript variant (1).
Genome position (GRCh38, 1-based): chr6:42,966,833, G>C on the plus strand (C>G on the coding strand, the complement: PEX6 is on the minus strand). VCF-style: chr6-42966833-G-C. GRCh37 (hg19) VCF-style: chr6-42934571-G-C.
Other names: c.1646C>G, p.Ala549Gly (NM_001316313.2); short protein forms A637G, A549G.
Identifiers: ClinVar variation 1492524 (VCV001492524.3), dbSNP rs2114240982, ClinGen allele CA364153207.

ClinVar aggregate classification (germline): Uncertain significance (1 of 4 stars; one submission).

Conditions:
Peroxisome biogenesis disorder. Identifiers: Orphanet 79189, MedGen C1832200, MONDO:0019234. Disease mechanism: loss of function.

Allele frequency attached by ClinVar (database versions not stated): gnomAD exomes below 0.00001.

Submission:

Labcorp Genetics (formerly Invitae), Labcorp
Classification: Uncertain significance for Peroxisome biogenesis disorder. Last evaluated: 2022-08-23. Review status: criteria provided, single submitter. Criteria: Invitae Variant Classification Sherloc (09022015). Collection method: clinical testing. Allele origin: germline.
Comment: This sequence change replaces alanine, which is neutral and non-polar, with glycine, which is neutral and non-polar, at codon 637 of the PEX6 protein (p.Ala637Gly). This variant is not present in population databases (gnomAD no frequency). This variant has not been reported in the literature in individuals affected with PEX6-related conditions. ClinVar contains an entry for this variant (Variation ID: 1492524). Algorithms developed to predict the effect of missense changes on protein structure and function are either unavailable or do not agree on the potential impact of this missense change (SIFT: "Tolerated"; PolyPhen-2: "Possibly Damaging"; Align-GVGD: "Class C0"). In summary, the available evidence is currently insufficient to determine the role of this variant in disease. Therefore, it has been classified as a Variant of Uncertain Significance.